The following is an entry in ClinVar:

ClinVar aggregate classification (germline): Uncertain significance. Review status: criteria provided, multiple submitters, no conflicts (2 of 4 stars). 3 submissions from 3 submitters: Uncertain significance (3). Last evaluated 2023-08-01.

Conditions:
Type 2 diabetes mellitus. Also called: Type II diabetes mellitus. Identifiers: MedGen C0011860, MeSH D003924, MONDO:0005148, OMIM 125853, HP:0005978.
Hyperlipidemia due to hepatic triglyceride lipase deficiency. Also called: LIPC DEFICIENCY. Identifiers: Orphanet 140905, MedGen C3151466, MONDO:0013533, OMIM 614025.

Allele frequency attached by ClinVar (database versions not stated): ExAC 0.00006; TOPMed 0.00007; ESP Exome Variant Server 0.00008; gnomAD exomes 0.00008 and 0.00009.
gnomAD v4.1: 120 of 1,614,048 alleles (0.0074%); highest among the groups gnomAD compares: South Asian, 0.031%; 2 homozygotes.

Submissions (3):

Labcorp Genetics (formerly Invitae), Labcorp
Classification: Uncertain significance. Last evaluated: 2023-08-01. Review status: criteria provided, single submitter. Criteria: Invitae Variant Classification Sherloc (09022015). Collection method: clinical testing. Allele origin: germline.
Comment: ClinVar contains an entry for this variant (Variation ID: 316667). This sequence change replaces glycine, which is neutral and non-polar, with arginine, which is basic and polar, at codon 247 of the LIPC protein (p.Gly247Arg). This variant is present in population databases (rs371573112, gnomAD 0.04%). This variant has not been reported in the literature in individuals affected with LIPC-related conditions. Advanced modeling of protein sequence and biophysical properties (such as structural, functional, and spatial information, amino acid conservation, physicochemical variation, residue mobility, and thermodynamic stability) performed at Invitae indicates that this missense variant is expected to disrupt LIPC protein function. In summary, the available evidence is currently insufficient to determine the role of this variant in disease. Therefore, it has been classified as a Variant of Uncertain Significance.

Department of Pathology and Laboratory Medicine, Sinai Health System
Classification: Uncertain significance for Type 2 diabetes mellitus; Hyperlipidemia due to hepatic triglyceride lipase deficiency. Last evaluated: 2023-04-24. Review status: criteria provided, single submitter. Criteria: ACMG Guidelines, 2015. Collection method: research. Allele origin: germline.

Illumina Laboratory Services, Illumina
Classification: Uncertain significance for Hyperlipidemia due to hepatic triglyceride lipase deficiency. Last evaluated: 2018-01-12. Review status: criteria provided, single submitter. Criteria: ICSL Variant Classification Criteria 13 December 2019. Collection method: clinical testing. Allele origin: germline.

NM_000236.3(LIPC):c.739G>A (p.Gly247Arg)

Gene: LIPC (lipase C, hepatic type; plus strand). Cytogenetic location: 15q21.3.
Variant type: single nucleotide variant.
Coding change: c.739G>A on transcript NM_000236.3 (MANE Select); coding-DNA position 739, G replaced by A.
Protein change: p.Gly247Arg; replaces glycine 247 with arginine.
Molecular consequence: missense variant.
Genome position (GRCh38, 1-based): chr15:58,545,906, G>A. VCF-style: chr15-58545906-G-A. GRCh37 (hg19) VCF-style: chr15-58838105-G-A.
Other names: short protein forms G247R.
Identifiers: ClinVar variation 316667 (VCV000316667.9), dbSNP rs371573112, ClinGen allele CA7584972.